The following is an entry in ClinVar:

NM_006306.4(SMC1A):c.3568A>G (p.Lys1190Glu)

Gene: SMC1A (structural maintenance of chromosomes 1A; minus strand). Cytogenetic location: Xp11.22.
Variant type: single nucleotide variant.
Coding change: c.3568A>G on transcript NM_006306.4 (MANE Select); coding-DNA position 3568, A replaced by G.
Protein change: p.Lys1190Glu; replaces lysine 1190 with glutamic acid.
Molecular consequence: missense variant.
Genome position (GRCh38, 1-based): chrX:53,380,670, T>C on the plus strand (A>G on the coding strand, the complement: SMC1A is on the minus strand). VCF-style: chrX-53380670-T-C. GRCh37 (hg19) VCF-style: chrX-53407591-T-C.
Other names: c.3502A>G, p.Lys1168Glu (NM_001281463.1); short protein forms K1168E, K1190E.
Identifiers: ClinVar variation 393123 (VCV000393123.2), dbSNP rs1057524798, ClinGen allele CA16608948.

ClinVar aggregate classification (germline): Likely pathogenic (1 of 4 stars; one submission).

Submission:

GeneDx
Classification: Likely pathogenic. Last evaluated: 2017-01-20. Review status: criteria provided, single submitter. Criteria: GeneDx Variant Classification (06012015). Collection method: clinical testing. Allele origin: germline. Affected: yes.
Comment: The K1190E variant in the SMC1A gene has not been reported previously as a pathogenic variant, nor as a benign variant, to our knowledge. The K1190E variant was not observed in approximately 6500 individuals of European and African American ancestry in the NHLBI Exome Sequencing Project, indicating it is not a common benign variant in these populations. The K1190E variant is a non-conservative amino acid substitution, which is likely to impact secondary protein structure as these residues differ in polarity, charge, size and/or other properties. This substitution occurs at a position that is conserved across species, and in silico analysis predicts this variant is probably damaging to the protein structure/function. The K1190E variant is a strong candidate for a pathogenic variant.